The following is an entry in ClinVar:

NM_001321571.2(CAMK2D):c.873G>C (p.Leu291Phe)

Gene: CAMK2D (calcium/calmodulin dependent protein kinase II delta; minus strand). Cytogenetic location: 4q26.
Variant type: single nucleotide variant.
Coding change: c.873G>C on transcript NM_001321571.2 (MANE Select); coding-DNA position 873, G replaced by C.
Protein change: p.Leu291Phe; replaces leucine 291 with phenylalanine.
Molecular consequence: missense variant.
Genome position (GRCh38, 1-based): chr4:113,513,860, C>G on the plus strand (G>C on the coding strand, the complement: CAMK2D is on the minus strand). VCF-style: chr4-113513860-C-G. GRCh37 (hg19) VCF-style: chr4-114435016-C-G.
Other names: c.873G>C, p.Leu291Phe (NM_001221.4, NM_001321566.2, NM_001321567.2 and 25 more transcripts); c.285G>C, p.Leu95Phe (NM_001321578.2, NM_001321585.2); c.756G>C, p.Leu252Phe (NM_001321581.2); c.873G>C (NM_001321571.1); short protein forms L252F, L291F, L95F.
Identifiers: ClinVar variation 1343379 (VCV001343379.2), dbSNP rs2511649293, ClinGen allele CA357995471.

ClinVar aggregate classification (germline): Pathogenic. Review status: criteria provided, single submitter (1 of 4 stars). 2 submissions from 2 submitters: Pathogenic (1). 1 of the submissions does not count toward it. Last evaluated 2024-10-09.

Conditions:
Neurodevelopmental disorder. Identifiers: MedGen C1535926, MeSH D065886, MONDO:0700092.

Submissions (2):

Victorian Clinical Genetics Services, Murdoch Childrens Research Institute
Classification: Pathogenic for Neurodevelopmental disorder. Last evaluated: 2024-10-09. Review status: criteria provided, single submitter. Criteria: ACMG Guidelines, 2015. Collection method: clinical testing. Allele origin: germline. Inheritance: Autosomal dominant inheritance. Affected: yes.
Comment: Based on the classification scheme VCGS_Germline_v1.3.4, this variant is classified as Pathogenic. Following criteria are met: 0103 - Dominant negative, loss of function and gain of function are known mechanisms of disease in this gene and are associated with neurodevelopmental disorder (MONDO#0700092), CAMK2D-related (PMID: 38272033). (I) 0107 - This gene is associated with autosomal dominant disease. (I) 0200 - Variant is predicted to result in a missense amino acid change from leucine to phenylalanine. (I) 0251 - This variant is heterozygous. (I) 0301 - Variant is absent from gnomAD (both v2 and v3). (SP) 0502 - Missense variant with conflicting in silico predictions and high conservation. (I) 0603 - Missense variant in a region that is highly intolerant to missense variation (high constraint region in DECIPHER). (SP) 0705 - No comparable missense variants have previous evidence for pathogenicity. (I) 0807 - This variant has no previous evidence of pathogenicity. (I) 1002 - This variant has moderate functional evidence supporting abnormal protein function. Functional studies showed this variant has a dominant negative effect (PMID: 38272033). Western blots showed HEK293T cells transfected with this variant had significant increase in CAMK2D protein level compared to HEK293T cells transfected with wildtype CAMK2D. Overexpression of CAMK2D-L291F showed very little autophosphorylation at Thr287. Overexpression of this variant in mice during prenatal neurodevelopment showed a neuronal migration deficit. (SP) Legend: (SP) - Supporting pathogenic, (I) - Information, (SB) - Supporting benign

Laboratory of Molecular Genetics (Pr. Bezieau's lab), CHU de Nantes
Classification: Pathogenic for Neurodevelopmental disorder. Last evaluated: 2022-03-07. Review status: no assertion criteria provided. Collection method: research. Allele origin: de novo. Affected: yes. Not counted in ClinVar's aggregate classification.

Literature cited by the submitters: PubMed 38272033 (cited by Victorian Clinical Genetics Services, Murdoch Childrens Research Institute).